The following is an entry in ClinVar:

NM_001142800.2(EYS):c.2387A>T (p.Glu796Val)

Gene: EYS (eyes shut homolog; minus strand). Cytogenetic location: 6q12.
Variant type: single nucleotide variant.
Coding change: c.2387A>T on transcript NM_001142800.2 (MANE Select); coding-DNA position 2387, A replaced by T.
Protein change: p.Glu796Val; replaces glutamic acid 796 with valine.
Molecular consequence: missense variant.
Genome position (GRCh38, 1-based): chr6:64,912,738, T>A on the plus strand (A>T on the coding strand, the complement: EYS is on the minus strand). VCF-style: chr6-64912738-T-A. GRCh37 (hg19) VCF-style: chr6-65622631-T-A.
Other names: c.2387A>T, p.Glu796Val (NM_001292009.2); short protein forms E796V.
Identifiers: ClinVar variation 940480 (VCV000940480.9), dbSNP rs909973943, ClinGen allele CA140380293.

ClinVar aggregate classification (germline): Uncertain significance. Review status: criteria provided, single submitter (1 of 4 stars). 3 submissions from 3 submitters: Uncertain significance (1). 2 of the submissions do not count toward it. Last evaluated 2024-02-24.

Conditions:
EYS-related disorder. Also called: EYS-related condition.
Retinitis pigmentosa 25 (RP25). Identifiers: Orphanet 791, MedGen C1864446, MONDO:0011272, OMIM 602772.

Allele frequency attached by ClinVar (database versions not stated): gnomAD exomes 0.00002 and 0.00008; TOPMed 0.00002; gnomAD 0.00004.
gnomAD v4.1: 98 of 1,352,030 alleles (0.0072%); highest among the groups gnomAD compares: Non-Finnish European, 0.0089%; no homozygotes.

Submissions (3):

Labcorp Genetics (formerly Invitae), Labcorp
Classification: Uncertain significance. Last evaluated: 2024-02-24. Review status: criteria provided, single submitter. Criteria: Invitae Variant Classification Sherloc (09022015). Collection method: clinical testing. Allele origin: germline.
Comment: This sequence change replaces glutamic acid, which is acidic and polar, with valine, which is neutral and non-polar, at codon 796 of the EYS protein (p.Glu796Val). The frequency data for this variant in the population databases is considered unreliable, as metrics indicate poor data quality at this position in the gnomAD database. This variant has not been reported in the literature in individuals affected with EYS-related conditions. ClinVar contains an entry for this variant (Variation ID: 940480). Advanced modeling of protein sequence and biophysical properties (such as structural, functional, and spatial information, amino acid conservation, physicochemical variation, residue mobility, and thermodynamic stability) has been performed at Invitae for this missense variant, however the output from this modeling did not meet the statistical confidence thresholds required to predict the impact of this variant on EYS protein function. In summary, the available evidence is currently insufficient to determine the role of this variant in disease. Therefore, it has been classified as a Variant of Uncertain Significance.

PreventionGenetics, part of Exact Sciences
Classification: Uncertain significance for EYS-related condition. Last evaluated: 2024-07-16. Review status: no assertion criteria provided. Collection method: clinical testing. Allele origin: germline. Not counted in ClinVar's aggregate classification.
Comment: The EYS c.2387A>T variant is predicted to result in the amino acid substitution p.Glu796Val. To our knowledge, this variant has not been reported in the literature. This variant is reported in 0.0075% of alleles in individuals of African descent in gnomAD. At this time, the clinical significance of this variant is uncertain due to the absence of conclusive functional and genetic evidence.

Natera, Inc.
Classification: Uncertain significance for Retinitis pigmentosa type 25. Last evaluated: 2020-07-07. Review status: no assertion criteria provided. Collection method: clinical testing. Allele origin: germline. Not counted in ClinVar's aggregate classification.